The following is an entry in ClinVar:

ClinVar aggregate classification (germline): Uncertain significance (1 of 4 stars; one submission).

Allele frequency attached by ClinVar (database versions not stated): gnomAD exomes 0.00002; ExAC 0.00003; TOPMed 0.00003.
gnomAD v4.1: 25 of 1,612,712 alleles (0.0016%); highest among the groups gnomAD compares: Middle Eastern, 0.049%; no homozygotes.

Submission:

Labcorp Genetics (formerly Invitae), Labcorp
Classification: Uncertain significance. Last evaluated: 2025-01-19. Review status: criteria provided, single submitter. Criteria: Invitae Variant Classification Sherloc (09022015). Collection method: clinical testing. Allele origin: germline.
Comment: This sequence change replaces arginine, which is basic and polar, with glutamine, which is neutral and polar, at codon 262 of the RAI1 protein (p.Arg262Gln). This variant is present in population databases (rs769783296, gnomAD 0.01%). This missense change has been observed in individual(s) with early onset obesity (PMID: 37329217). ClinVar contains an entry for this variant (Variation ID: 1479479). Invitae Evidence Modeling of protein sequence and biophysical properties (such as structural, functional, and spatial information, amino acid conservation, physicochemical variation, residue mobility, and thermodynamic stability) indicates that this missense variant is expected to disrupt RAI1 protein function with a positive predictive value of 80%. In summary, the available evidence is currently insufficient to determine the role of this variant in disease. Therefore, it has been classified as a Variant of Uncertain Significance.

Literature cited by the submitters: PubMed 37329217.

NM_030665.4(RAI1):c.785G>A (p.Arg262Gln)

Gene: RAI1 (retinoic acid induced 1; plus strand). Cytogenetic location: 17p11.2.
Variant type: single nucleotide variant.
Coding change: c.785G>A on transcript NM_030665.4 (MANE Select); coding-DNA position 785, G replaced by A.
Protein change: p.Arg262Gln; replaces arginine 262 with glutamine.
Molecular consequence: missense variant.
Genome position (GRCh38, 1-based): chr17:17,793,733, G>A. VCF-style: chr17-17793733-G-A. GRCh37 (hg19) VCF-style: chr17-17697047-G-A.
Other names: short protein forms R262Q.
Identifiers: ClinVar variation 1479479 (VCV001479479.6), dbSNP rs769783296, ClinGen allele CA8418194.
Genomic context (GRCh38, chr17:17,793,733, plus strand): 5'-CGACTGCCCAGCCCCATGACAGGCCGCTGACTGCCAGCTCCAGCCTGGCCCCGGGGCAGC[G>A]GGTCCAGAATCTTCATGCCTACCAGTCGGGCCGCCTCAGCTATGACCAGCAGCAGCAGCA-3'
Protein context (NP_109590.3, residues 252-272): TASSSLAPGQ[Arg262Gln]VQNLHAYQSG